The following is an entry in ClinVar:

NM_000379.4(XDH):c.3375A>G (p.Thr1125=)

Gene: XDH (xanthine dehydrogenase; minus strand). Cytogenetic location: 2p23.1.
Variant type: single nucleotide variant.
Coding change: c.3375A>G on transcript NM_000379.4 (MANE Select); coding-DNA position 3375, A replaced by G.
Protein change: p.Thr1125=; no amino-acid change (threonine 1125 retained).
Molecular consequence: synonymous variant.
Genome position (GRCh38, 1-based): chr2:31,344,713, T>C on the plus strand (A>G on the coding strand, the complement: XDH is on the minus strand). VCF-style: chr2-31344713-T-C. GRCh37 (hg19) VCF-style: chr2-31567579-T-C.
Other names: p.Thr1125=.
Identifiers: ClinVar variation 779627 (VCV000779627.12), dbSNP rs45592238, ClinGen allele CA1598411.

ClinVar aggregate classification (germline): Benign/Likely benign. Review status: criteria provided, multiple submitters, no conflicts (2 of 4 stars). 2 submissions from 2 submitters: Benign (1); Likely benign (1). Last evaluated 2026-01-27.

Conditions:
Xanthinuria type II. Also called: Xanthine dehydrogenase and aldehyde oxidase combined deficiency of; XDH and AOX dual deficiency. Identifiers: Orphanet 3467, Orphanet 93602, MedGen C1863688, MONDO:0011346, OMIM 603592.

Allele frequency attached by ClinVar (database versions not stated): gnomAD exomes 0.00050 and 0.00117; ExAC 0.00139; 1000 Genomes Project 30x 0.00437; 1000 Genomes Project 0.00479; gnomAD 0.00516 and 0.00556; ESP Exome Variant Server 0.00523; TOPMed 0.00592.
gnomAD v4.1: 1,570 of 1,614,160 alleles (0.097%); highest among the groups gnomAD compares: African/African-American, 1.9%; 26 homozygotes.

Submissions (2):

Labcorp Genetics (formerly Invitae), Labcorp
Classification: Benign for Xanthinuria type II. Last evaluated: 2026-01-27. Review status: criteria provided, single submitter. Criteria: Invitae Variant Classification Sherloc (09022015). Collection method: clinical testing. Allele origin: germline.

Mayo Clinic Laboratories, Mayo Clinic
Classification: Likely benign. Last evaluated: 2025-02-20. Review status: criteria provided, single submitter. Criteria: ACMG Guidelines, 2015. Collection method: clinical testing. Allele origin: germline. Observed: 1 variant allele.
Comment: BS1, BP4, BP7